The following is an entry in ClinVar:

ClinVar aggregate classification (germline): Uncertain significance (1 of 4 stars; one submission).

Allele frequency attached by ClinVar (database versions not stated): TOPMed below 0.00001.
gnomAD v4.1: 7 of 1,612,214 alleles (0.00043%); highest among the groups gnomAD compares: African/African-American, 0.0013%; no homozygotes.

Submission:

Labcorp Genetics (formerly Invitae), Labcorp
Classification: Uncertain significance. Last evaluated: 2021-08-27. Review status: criteria provided, single submitter. Criteria: Invitae Variant Classification Sherloc (09022015). Collection method: clinical testing. Allele origin: germline.
Comment: In summary, the available evidence is currently insufficient to determine the role of this variant in disease. Therefore, it has been classified as a Variant of Uncertain Significance. Algorithms developed to predict the effect of missense changes on protein structure and function are either unavailable or do not agree on the potential impact of this missense change (SIFT: "Tolerated"; PolyPhen-2: "Probably Damaging"; Align-GVGD: "Class C0"). This variant has not been reported in the literature in individuals affected with CTR9-related conditions. This variant is present in population databases (rs753118059, ExAC 0.001%). This sequence change replaces arginine with histidine at codon 191 of the CTR9 protein (p.Arg191His). The arginine residue is highly conserved and there is a small physicochemical difference between arginine and histidine.

NM_014633.5(CTR9):c.572G>A (p.Arg191His)

Gene: CTR9 (CTR9 component of Paf1/RNA polymerase II complex; plus strand). Cytogenetic location: 11p15.4.
Variant type: single nucleotide variant.
Coding change: c.572G>A on transcript NM_014633.5 (MANE Select); coding-DNA position 572, G replaced by A.
Protein change: p.Arg191His; replaces arginine 191 with histidine.
Molecular consequence: missense variant.
Genome position (GRCh38, 1-based): chr11:10,756,818, G>A. VCF-style: chr11-10756818-G-A. GRCh37 (hg19) VCF-style: chr11-10778365-G-A.
Other names: c.572G>A, p.Arg191His (NM_001346279.2); short protein forms R191H.
Identifiers: ClinVar variation 1439723 (VCV001439723.6), dbSNP rs753118059, ClinGen allele CA5884891.